The following is an entry in ClinVar:

ClinVar aggregate classification (germline): Uncertain significance (1 of 4 stars; one submission).

Allele frequency attached by ClinVar (database versions not stated): gnomAD 0.00001; TOPMed 0.00001.
gnomAD v4.1: 5 of 1,614,034 alleles (0.00031%); highest among the groups gnomAD compares: Non-Finnish European, 0.00025%; no homozygotes.

Submission:

Labcorp Genetics (formerly Invitae), Labcorp
Classification: Uncertain significance. Last evaluated: 2024-08-12. Review status: criteria provided, single submitter. Criteria: Invitae Variant Classification Sherloc (09022015). Collection method: clinical testing. Allele origin: germline.
Comment: This sequence change replaces arginine, which is basic and polar, with serine, which is neutral and polar, at codon 536 of the ALPK1 protein (p.Arg536Ser). This variant is present in population databases (no rsID available, gnomAD 0.004%). This variant has not been reported in the literature in individuals affected with ALPK1-related conditions. Advanced modeling of protein sequence and biophysical properties (such as structural, functional, and spatial information, amino acid conservation, physicochemical variation, residue mobility, and thermodynamic stability) performed at Invitae indicates that this missense variant is not expected to disrupt ALPK1 protein function with a negative predictive value of 80%. In summary, the available evidence is currently insufficient to determine the role of this variant in disease. Therefore, it has been classified as a Variant of Uncertain Significance.

NM_025144.4(ALPK1):c.1608G>T (p.Arg536Ser)

Gene: ALPK1 (alpha kinase 1; plus strand). Cytogenetic location: 4q25.
Variant type: single nucleotide variant.
Coding change: c.1608G>T on transcript NM_025144.4 (MANE Select); coding-DNA position 1608, G replaced by T.
Protein change: p.Arg536Ser; replaces arginine 536 with serine.
Molecular consequence: missense variant.
Genome position (GRCh38, 1-based): chr4:112,431,155, G>T. VCF-style: chr4-112431155-G-T. GRCh37 (hg19) VCF-style: chr4-113352311-G-T.
Other names: c.1608G>T, p.Arg536Ser (NM_001102406.2); c.1374G>T, p.Arg458Ser (NM_001253884.2); short protein forms R458S, R536S.
Identifiers: ClinVar variation 2803985 (VCV002803985.3), dbSNP rs1210674080, ClinGen allele CA357895719.